The following is an entry in ClinVar:

ClinVar aggregate classification (germline): Uncertain significance (1 of 4 stars; one submission).

Conditions:
Hereditary cancer-predisposing syndrome. Also called: Neoplastic Syndromes, Hereditary; Tumor predisposition; Hereditary Cancer Syndrome; Hereditary neoplastic syndrome. Identifiers: Orphanet 140162, MedGen C0027672, MeSH D009386, MONDO:0015356.

Submission:

Ambry Genetics
Classification: Uncertain significance for Hereditary cancer-predisposing syndrome. Last evaluated: 2026-05-20. Review status: criteria provided, single submitter. Criteria: Ambry Variant Classification Scheme 2023. Collection method: clinical testing. Allele origin: germline.
Comment: The p.S873P variant (also known as c.2617T>C), located in coding exon 9 of the BRCA1 gene, results from a T to C substitution at nucleotide position 2617. The serine at codon 873 is replaced by proline, an amino acid with similar properties. This amino acid position is well conserved in available vertebrate species. In addition, the in silico prediction for this alteration is inconclusive. Based on the available evidence, the clinical significance of this variant remains unclear.

NM_007294.4(BRCA1):c.2617T>C (p.Ser873Pro)

Gene: BRCA1 (BRCA1 DNA repair associated; minus strand). Cytogenetic location: 17q21.31.
Variant type: single nucleotide variant.
Coding change: c.2617T>C on transcript NM_007294.4 (MANE Select); coding-DNA position 2617, T replaced by C.
Protein change: p.Ser873Pro; replaces serine 873 with proline.
Molecular consequence: missense variant. On other transcripts: intron variant (137).
Genome position (GRCh38, 1-based): chr17:43,092,914, A>G on the plus strand (T>C on the coding strand, the complement: BRCA1 is on the minus strand). VCF-style: chr17-43092914-A-G. GRCh37 (hg19) VCF-style: chr17-41244931-A-G.
Other names: c.2494T>C, p.Ser832Pro (NM_001407667.1, NM_001407863.1, NM_001407677.1 and 19 more transcripts); c.2617T>C, p.Ser873Pro (NM_001407859.1, NM_001407639.1, NM_001407640.1 and 30 more transcripts); c.2614T>C, p.Ser872Pro (NM_001407860.1, NM_001407861.1, NM_001407636.1 and 22 more transcripts); c.2416T>C, p.Ser806Pro (NM_001407862.1); c.2413T>C, p.Ser805Pro (NM_001407874.1, NM_001407875.1); c.2407T>C, p.Ser803Pro (NM_001407879.1, NM_001407881.1, NM_001407882.1 and 13 more transcripts); c.2608T>C, p.Ser870Pro (NM_001407646.1, NM_001407647.1); c.2491T>C, p.Ser831Pro (NM_001407685.1, NM_001407686.1, NM_001407940.1 and 11 more transcripts); and 41 more; short protein forms S577P, S705P, S745P, S746P, S761P, S762P, S784P, S785P.
Identifiers: ClinVar variation 4867693 (VCV004867693.1).